The following is an entry in ClinVar:

ClinVar aggregate classification (germline): Uncertain significance (1 of 4 stars; one submission).

Conditions:
Glycogen storage disease due to lactate dehydrogenase M-subunit deficiency (GSD11). Also called: Glycogen storage disease XI; GSD XI; LACTATE DEHYDROGENASE A DEFICIENCY. Identifiers: Orphanet 284426, MedGen C2931743, MONDO:0013047, OMIM 612933.

Submission:

Labcorp Genetics (formerly Invitae), Labcorp
Classification: Uncertain significance for Glycogen storage disease due to lactate dehydrogenase M-subunit deficiency. Last evaluated: 2022-08-22. Review status: criteria provided, single submitter. Criteria: Invitae Variant Classification Sherloc (09022015). Collection method: clinical testing. Allele origin: germline.
Comment: This sequence change replaces isoleucine, which is neutral and non-polar, with phenylalanine, which is neutral and non-polar, at codon 94 of the LDHA protein (p.Ile94Phe). This variant is not present in population databases (gnomAD no frequency). This variant has not been reported in the literature in individuals affected with LDHA-related conditions. Algorithms developed to predict the effect of missense changes on protein structure and function are either unavailable or do not agree on the potential impact of this missense change (SIFT: "Tolerated"; PolyPhen-2: "Possibly Damaging"; Align-GVGD: "Class C0"). In summary, the available evidence is currently insufficient to determine the role of this variant in disease. Therefore, it has been classified as a Variant of Uncertain Significance.

NM_005566.4(LDHA):c.280A>T (p.Ile94Phe)

Gene: LDHA (lactate dehydrogenase A; plus strand). Cytogenetic location: 11p15.1.
Variant type: single nucleotide variant.
Coding change: c.280A>T on transcript NM_005566.4 (MANE Select); coding-DNA position 280, A replaced by T.
Protein change: p.Ile94Phe; replaces isoleucine 94 with phenylalanine.
Molecular consequence: missense variant. On other transcripts: non-coding transcript variant (1), intron variant (1).
Genome position (GRCh38, 1-based): chr11:18,400,872, A>T. VCF-style: chr11-18400872-A-T. GRCh37 (hg19) VCF-style: chr11-18422419-A-T.
Other names: c.367A>T, p.Ile123Phe (NM_001165414.2); c.280A>T, p.Ile94Phe (NM_001165415.2, NM_001165416.2); c.244+1324A>T (NM_001135239.2); short protein forms I123F, I94F.
Identifiers: ClinVar variation 1717535 (VCV001717535.3), dbSNP rs778106857, ClinGen allele CA379503159.
Genomic context (GRCh38, chr11:18,400,872, plus strand): 5'-TGGTCATTATTCCCCTTTTCTCTAGACTATAATGTAACTGCAAACTCCAAGCTGGTCATT[A>T]TCACGGCTGGGGCACGTCAGCAAGAGGGAGAAAGCCGTCTTAATTTGGTCCAGCGTAACG-3'
Protein context (NP_005557.1, residues 84-104): NVTANSKLVI[Ile94Phe]TAGARQQEGE